The following is an entry in ClinVar:

NM_015570.4(AUTS2):c.3211_3222del (p.Ile1071_Pro1074del)

Gene: AUTS2 (activator of transcription and developmental regulator AUTS2; plus strand). Cytogenetic location: 7q11.22.
Variant type: Deletion.
Coding change: c.3211_3222del on transcript NM_015570.4 (MANE Select); coding-DNA positions 3211 to 3222, 12 bases deleted (ATCCGGGACCCC).
Protein change: p.Ile1071_Pro1074del.
Molecular consequence: inframe deletion.
Genome position (GRCh38, 1-based): chr7:70,790,427-70,790,438, ATCCGGGACCCC deleted; deleting any 12 consecutive bases within chr7:70,790,419-70,790,438 gives the same sequence; the c. name uses the placement nearest the transcript's 3' end. VCF-style (leftmost placement, unchanged base first): chr7-70790418-TGGGACCCCATCC-T. GRCh37 (hg19) VCF-style: chr7-70255404-TGGGACCCCATCC-T.
Other names: c.3139_3150del, p.Ile1047_Pro1050del (NM_001127231.3); c.3211_3222del12 (NM_015570.2).
Identifiers: ClinVar variation 1299072 (VCV001299072.37), dbSNP rs2129561644, ClinGen allele CA2499219007.

ClinVar aggregate classification (germline): Uncertain significance. Review status: criteria provided, multiple submitters, no conflicts (2 of 4 stars). 2 submissions from 2 submitters: Uncertain significance (2). Last evaluated 2022-01-12.

Conditions:
Inborn genetic diseases. Identifiers: MedGen C0950123, MeSH D030342.

Submissions (2):

Ambry Genetics
Classification: Uncertain significance for Inborn genetic diseases. Last evaluated: 2022-01-12. Review status: criteria provided, single submitter. Criteria: Ambry Variant Classification Scheme 2023. Collection method: clinical testing. Allele origin: germline.
Comment: The c.3211_3222del12 (p.I1071_P1074del) alteration is located in exon 19 (coding exon 19) of the AUTS2 gene. This alteration consists of an in-frame deletion of 12 nucleotides between nucleotide positions c.3211 and c.3222, resulting in the deletion of 4 residues. Based on insufficient or conflicting evidence, the clinical significance of this alteration remains unclear.

CeGaT Center for Human Genetics Tuebingen
Classification: Uncertain significance. Last evaluated: 2021-07-01. Review status: criteria provided, single submitter. Criteria: CeGaT Center For Human Genetics Tuebingen Variant Classification Criteria Version 2. Collection method: clinical testing. Allele origin: germline. Affected: yes. Observed: 1 variant allele.